The following is an entry in ClinVar:

NC_000001.10:g.(?_150769275)_(150772205_?)dup

Gene: CTSK (cathepsin K; minus strand). Cytogenetic location: 1q21.3.
Variant type: Duplication.
Identifiers: ClinVar variation 1409593 (VCV001409593.4).

ClinVar aggregate classification (germline): Uncertain significance (1 of 4 stars; one submission).

Submission:

Labcorp Genetics (formerly Invitae), Labcorp
Classification: Uncertain significance. Last evaluated: 2022-07-06. Review status: criteria provided, single submitter. Criteria: Invitae Variant Classification Sherloc (09022015). Collection method: clinical testing. Allele origin: germline.
Comment: This variant results in a copy number gain of the genomic region encompassing exon(s) 6-8 of the CTSK gene. This region includes the termination codon of the gene. This copy number gain extends beyond the assayed region for this gene and therefore may encompass additional genes. As the precise location of this event is unknown, it may be in tandem or it may be located elsewhere in the genome. This variant has not been reported in the literature in individuals affected with CTSK-related conditions. Experimental studies and prediction algorithms are not available or were not evaluated, and the functional significance of this variant is currently unknown. In summary, the available evidence is currently insufficient to determine the role of this variant in disease. Therefore, it has been classified as a Variant of Uncertain Significance.